The following is an entry in ClinVar:

NM_004006.3(DMD):c.3433-1G>C

Gene: DMD (dystrophin; minus strand). Cytogenetic location: Xp21.1.
Variant type: single nucleotide variant.
Coding change: c.3433-1G>C on transcript NM_004006.3 (MANE Select); the canonical splice acceptor site of the intron before coding-DNA position 3433, G replaced by C.
Molecular consequence: splice acceptor variant.
Genome position (GRCh38, 1-based): chrX:32,454,833, C>G on the plus strand (G>C on the coding strand, the complement: DMD is on the minus strand). VCF-style: chrX-32454833-C-G. GRCh37 (hg19) VCF-style: chrX-32472950-C-G.
Other names: c.3409-1G>C (NM_000109.4); c.3421-1G>C (NM_004009.3); c.3064-1G>C (NM_004010.3).
Identifiers: ClinVar variation 2009490 (VCV002009490.4), dbSNP rs398123939, ClinGen allele CA412663408.
Genomic context (GRCh38, chrX:32,454,833, plus strand): 5'-TTTCTGGAGGCTTACAGTTTTCTCCAAACCTCCCTTCAAGGCCTCCTTTCTGGCATAGAC[C>G]TTCCACAAAACAAACAAACAAAACACGATTATTGACAGTGATGAAACATTATTATTATAT-3'

ClinVar aggregate classification (germline): Pathogenic (1 of 4 stars; one submission).

Conditions:
Duchenne muscular dystrophy (DMD). Also called: MUSCULAR DYSTROPHY, PSEUDOHYPERTROPHIC PROGRESSIVE, DUCHENNE TYPE; Duchenne Muscular Dystrophy (DMD). Identifiers: Orphanet 98896, MedGen C0013264, MONDO:0010679, OMIM 310200.

Submission:

Labcorp Genetics (formerly Invitae), Labcorp
Classification: Pathogenic for Duchenne muscular dystrophy. Last evaluated: 2022-06-22. Review status: criteria provided, single submitter. Criteria: Invitae Variant Classification Sherloc (09022015). Collection method: clinical testing. Allele origin: germline.
Comment: For these reasons, this variant has been classified as Pathogenic. Algorithms developed to predict the effect of sequence changes on RNA splicing suggest that this variant may disrupt the consensus splice site. Disruption of this splice site has been observed in individuals with Duchenne muscular dystrophy (PMID: 19760747, 32194622). This variant is not present in population databases (gnomAD no frequency). This sequence change affects an acceptor splice site in intron 25 of the DMD gene. It is expected to disrupt RNA splicing. Variants that disrupt the donor or acceptor splice site typically lead to a loss of protein function (PMID: 16199547), and loss-of-function variants in DMD are known to be pathogenic (PMID: 16770791, 25007885).

Literature cited by the submitters: PubMed 19760747; PubMed 32194622; PubMed 16199547; PubMed 16770791; PubMed 25007885.